The following is an entry in ClinVar:

NM_002234.4(KCNA5):c.1540G>A (p.Val514Ile)

Gene: KCNA5 (potassium voltage-gated channel subfamily A member 5; plus strand). Cytogenetic location: 12p13.32.
Variant type: single nucleotide variant.
Coding change: c.1540G>A on transcript NM_002234.4 (MANE Select); coding-DNA position 1540, G replaced by A.
Protein change: p.Val514Ile; replaces valine 514 with isoleucine.
Molecular consequence: missense variant.
Genome position (GRCh38, 1-based): chr12:5,045,687, G>A. VCF-style: chr12-5045687-G-A. GRCh37 (hg19) VCF-style: chr12-5154853-G-A.
Other names: short protein forms V514I.
Identifiers: ClinVar variation 1449275 (VCV001449275.6), dbSNP rs1172712297, ClinGen allele CA383466698.

ClinVar aggregate classification (germline): Uncertain significance (1 of 4 stars; one submission).

Conditions:
Atrial fibrillation, familial, 7 (ATFB7). Identifiers: MedGen C2677106, MONDO:0012828, OMIM 612240.

Allele frequency attached by ClinVar (database versions not stated): gnomAD 0.00001; gnomAD exomes 0.00001 and 0.00002; TOPMed 0.00002.

Submission:

Labcorp Genetics (formerly Invitae), Labcorp
Classification: Uncertain significance for Atrial fibrillation, familial, 7. Last evaluated: 2021-11-25. Review status: criteria provided, single submitter. Criteria: Invitae Variant Classification Sherloc (09022015). Collection method: clinical testing. Allele origin: germline.
Comment: In summary, the available evidence is currently insufficient to determine the role of this variant in disease. Therefore, it has been classified as a Variant of Uncertain Significance. Experimental studies have shown that this missense change affects KCNA5 function (PMID: 19029374). Algorithms developed to predict the effect of missense changes on protein structure and function are either unavailable or do not agree on the potential impact of this missense change (SIFT: "Tolerated"; PolyPhen-2: "Probably Damaging"; Align-GVGD: "Class C0"). This variant has not been reported in the literature in individuals affected with KCNA5-related conditions. This variant is present in population databases (no rsID available, gnomAD 0.01%). This sequence change replaces valine, which is neutral and non-polar, with isoleucine, which is neutral and non-polar, at codon 514 of the KCNA5 protein (p.Val514Ile).

Literature cited by the submitters: PubMed 19029374.